The following is an entry in ClinVar:

ClinVar aggregate classification (germline): Benign/Likely benign. Review status: criteria provided, multiple submitters, no conflicts (2 of 4 stars). 3 submissions from 3 submitters: Benign (1); Likely benign (1). 1 of the submissions does not count toward it. Last evaluated 2026-02-03.

Conditions:
PACS2-related disorder. Also called: PACS2-related condition.

Allele frequency attached by ClinVar (database versions not stated): gnomAD 0.00018 and 0.00023; gnomAD exomes 0.00019 and 0.00061; TOPMed 0.00040; 1000 Genomes Project 30x 0.00047; ExAC 0.00057; 1000 Genomes Project 0.00060.
gnomAD v4.1: 308 of 1,612,868 alleles (0.019%); highest among the groups gnomAD compares: East Asian, 0.45%; 1 homozygote.

Submissions (3):

Labcorp Genetics (formerly Invitae), Labcorp
Classification: Benign. Last evaluated: 2026-02-03. Review status: criteria provided, single submitter. Criteria: Invitae Variant Classification Sherloc (09022015). Collection method: clinical testing. Allele origin: germline.

CeGaT Center for Human Genetics Tuebingen
Classification: Likely benign. Last evaluated: 2025-03-01. Review status: criteria provided, single submitter. Criteria: CeGaT Center For Human Genetics Tuebingen Variant Classification Criteria Version 2. Collection method: clinical testing. Allele origin: germline. Affected: yes. Observed: 1 variant allele.
Comment: PACS2: BP4, BP7, BS1

PreventionGenetics, part of Exact Sciences
Classification: Likely benign for PACS2-related condition. Last evaluated: 2019-03-04. Review status: no assertion criteria provided. Collection method: clinical testing. Allele origin: germline. Not counted in ClinVar's aggregate classification.
Comment: This variant is classified as likely benign based on ACMG/AMP sequence variant interpretation guidelines (Richards et al. 2015 PMID: 25741868, with internal and published modifications).

NM_001100913.3(PACS2):c.2610C>T (p.Gly870=)

Gene: PACS2 (phosphofurin acidic cluster sorting protein 2; plus strand). Cytogenetic location: 14q32.33.
Variant type: single nucleotide variant.
Coding change: c.2610C>T on transcript NM_001100913.3 (MANE Select); coding-DNA position 2610, C replaced by T.
Protein change: p.Gly870=; no amino-acid change (glycine 870 retained).
Molecular consequence: synonymous variant.
Genome position (GRCh38, 1-based): chr14:105,394,567, C>T. VCF-style: chr14-105394567-C-T. GRCh37 (hg19) VCF-style: chr14-105860904-C-T.
Other names: c.2610C>T (NM_001100913.2); c.2340C>T, p.Gly780= (NM_001243127.3); c.2565C>T, p.Gly855= (NM_015197.4).
Identifiers: ClinVar variation 1669567 (VCV001669567.17), dbSNP rs201761849, ClinGen allele CA7389354.